The following is an entry in ClinVar:

ClinVar aggregate classification (germline): Likely benign (0 of 4 stars; one submission).

Conditions:
DNAH9-related disorder. Also called: DNAH9-related condition.

Submission:

PreventionGenetics, part of Exact Sciences
Classification: Likely benign for DNAH9-related condition. Last evaluated: 2024-01-16. Review status: no assertion criteria provided. Collection method: clinical testing. Allele origin: germline.
Comment: This variant is classified as likely benign based on ACMG/AMP sequence variant interpretation guidelines (Richards et al. 2015 PMID: 25741868, with internal and published modifications).

NM_001372.4(DNAH9):c.12489+9_12489+10del

Gene: DNAH9 (dynein axonemal heavy chain 9; plus strand). Cytogenetic location: 17p12.
Variant type: Microsatellite.
Coding change: c.12489+9_12489+10del on transcript NM_001372.4 (MANE Select); bases 9 to 10 of the intron after coding-DNA position 12489, 2 bases deleted (CT; older notation c.12489+9_12489+10delCT).
Molecular consequence: intron variant.
Genome position (GRCh38, 1-based): chr17:11,934,080-11,934,081, CT deleted; deleting any 2 consecutive bases within chr17:11,934,078-11,934,081 gives the same sequence; the c. name uses the placement nearest the transcript's 3' end. VCF-style (leftmost placement, unchanged base first): chr17-11934077-ACT-A. GRCh37 (hg19) VCF-style: chr17-11837394-ACT-A.
Other names: c.1425+9_1425+10del (NM_004662.2).
Identifiers: ClinVar variation 3045203 (VCV003045203.2), dbSNP rs2544900289, ClinGen allele CA2636165357.